The following is an entry in ClinVar:

ClinVar aggregate classification (germline): Uncertain significance (1 of 4 stars; one submission).

Submission:

Labcorp Genetics (formerly Invitae), Labcorp
Classification: Uncertain significance. Last evaluated: 2022-01-13. Review status: criteria provided, single submitter. Criteria: Invitae Variant Classification Sherloc (09022015). Collection method: clinical testing. Allele origin: germline.
Comment: In summary, the available evidence is currently insufficient to determine the role of this variant in disease. Therefore, it has been classified as a Variant of Uncertain Significance. Advanced modeling of protein sequence and biophysical properties (such as structural, functional, and spatial information, amino acid conservation, physicochemical variation, residue mobility, and thermodynamic stability) performed at Invitae indicates that this missense variant is expected to disrupt BEST1 protein function. This variant has not been reported in the literature in individuals affected with BEST1-related conditions. This variant is not present in population databases (gnomAD no frequency). This sequence change replaces valine, which is neutral and non-polar, with leucine, which is neutral and non-polar, at codon 114 of the BEST1 protein (p.Val114Leu).

NM_004183.4(BEST1):c.340G>C (p.Val114Leu)

Gene: BEST1 (bestrophin 1; plus strand). Cytogenetic location: 11q12.3.
Variant type: single nucleotide variant.
Coding change: c.340G>C on transcript NM_004183.4 (MANE Select); coding-DNA position 340, G replaced by C.
Protein change: p.Val114Leu; replaces valine 114 with leucine.
Molecular consequence: missense variant. On other transcripts: non-coding transcript variant (1).
Genome position (GRCh38, 1-based): chr11:61,955,810, G>C. VCF-style: chr11-61955810-G-C. GRCh37 (hg19) VCF-style: chr11-61723282-G-C.
Other names: c.160G>C, p.Val54Leu (NM_001139443.3, NM_001300786.2, NM_001300787.2); c.22G>C, p.Val8Leu (NM_001363591.3); c.340G>C, p.Val114Leu (NM_001363592.2); c.-836G>C (NM_001363593.3); short protein forms V114L, V8L, V54L.
Identifiers: ClinVar variation 1383763 (VCV001383763.6), dbSNP rs2134430632, ClinGen allele CA380834503.
Genomic context (GRCh38, chr11:61,955,810, plus strand): 5'-TGGAACCAGTACGAGAACCTGCCGTGGCCCGACCGCCTCATGAGCCTGGTGTCGGGCTTC[G>C]TCGAAGGCAAGGACGAGCAAGGCCGGCTGCTGCGGCGCACGCTCATCCGCTACGCCAACC-3'
Protein context (NP_004174.1, residues 104-124): DRLMSLVSGF[Val114Leu]EGKDEQGRLL